The following is an entry in ClinVar:

NC_000001.10:g.(?_161293384)_(161293480_?)dup

Gene: SDHC (succinate dehydrogenase complex subunit C; plus strand). Cytogenetic location: 1q23.3.
Variant type: Duplication.
Identifiers: ClinVar variation 3247757 (VCV003247757.1).

ClinVar aggregate classification (germline): Uncertain significance (1 of 4 stars; one submission).

Conditions:
Pheochromocytoma/paraganglioma syndrome 3. Also called: GLOMUS TUMORS, FAMILIAL, 3; Paragangliomas 3; SDHC-Related Hereditary Paraganglioma-Pheochromocytoma Syndrome (Paragangliomas 3); SDHC-Related Hereditary Paraganglioma-Pheochromocytoma Syndrome. Identifiers: Orphanet 29072, MedGen C1854336, MONDO:0011544, OMIM 605373.
Gastrointestinal stromal tumor. Also called: Gastrointestinal stromal tumor, somatic; Gastrointestinal stroma tumor. Identifiers: Orphanet 44890, MedGen C0238198, MeSH D046152, MONDO:0011719, OMIM 606764, HP:0100723.

Submission:

Labcorp Genetics (formerly Invitae), Labcorp
Classification: Uncertain significance for Pheochromocytoma/paraganglioma syndrome 3; Gastrointestinal stromal tumor. Last evaluated: 2023-01-15. Review status: criteria provided, single submitter. Criteria: Invitae Variant Classification Sherloc (09022015). Collection method: clinical testing. Allele origin: unknown.
Comment: In summary, the available evidence is currently insufficient to determine the role of this variant in disease. Therefore, it has been classified as a Variant of Uncertain Significance. Experimental studies and prediction algorithms are not available or were not evaluated, and the functional significance of this variant is currently unknown. This variant has not been reported in the literature in individuals affected with SDHC-related conditions. This variant results in a copy number gain of the genomic region encompassing exon(s) 2 of the SDHC gene. While the exact position of this variant cannot be determined from the data, sub-genic copy number gains are generally in tandem (PMID: 25640679). This variant is predicted to be in-frame, and likely preserves the integrity of the reading frame.

Literature cited by the submitters: PubMed 25640679.